The following is an entry in ClinVar:

ClinVar aggregate classification (germline): Pathogenic. Review status: criteria provided, multiple submitters, no conflicts (2 of 4 stars). 2 submissions from 2 submitters: Pathogenic (2). Last evaluated 2026-07-20.

Conditions:
Familial cancer of breast. Also called: BREAST CANCER, FAMILIAL; hereditary breast carcinoma; Hereditary breast cancer. Identifiers: Orphanet 227535, MedGen C0346153, MONDO:0016419, OMIM 114480. Disease mechanism: loss of function.
Hereditary cancer-predisposing syndrome. Also called: Hereditary neoplastic syndrome; Hereditary Cancer Syndrome; Neoplastic Syndromes, Hereditary; Tumor predisposition. Identifiers: Orphanet 140162, MedGen C0027672, MeSH D009386, MONDO:0015356.

Submissions (2):

Ambry Genetics
Classification: Pathogenic for Hereditary cancer-predisposing syndrome. Last evaluated: 2026-07-20. Review status: criteria provided, single submitter. Criteria: Ambry Variant Classification Scheme 2023. Collection method: clinical testing. Allele origin: germline.
Comment: The c.2743dupG pathogenic mutation, located in coding exon 7 of the PALB2 gene, results from a duplication of G at nucleotide position 2743, causing a translational frameshift with a predicted alternate stop codon (p.A915Gfs*13). This variant is considered to be rare based on population cohorts in the Genome Aggregation Database (gnomAD). This variant is expected to result in loss of function by premature protein truncation or nonsense-mediated mRNA decay. As such, this variant is interpreted as a disease-causing mutation.

Myriad Genetics, Inc.
Classification: Pathogenic for Familial cancer of breast. Last evaluated: 2023-09-13. Review status: criteria provided, single submitter. Criteria: Myriad Autosomal Dominant, Autosomal Recessive and X-Linked Classification Criteria (2023). Collection method: clinical testing. Allele origin: unknown.
Comment: This variant is considered pathogenic. This variant creates a frameshift predicted to result in premature protein truncation.

NM_024675.4(PALB2):c.2743dup (p.Ala915fs)

Gene: PALB2 (partner and localizer of BRCA2; minus strand). Cytogenetic location: 16p12.2.
Variant type: Duplication.
Coding change: c.2743dup on transcript NM_024675.4 (MANE Select); coding-DNA position 2743, one base duplicated (G; older notation c.2743dupG).
Protein change: p.Ala915fs; shifts the reading frame from alanine 915.
Molecular consequence: frameshift variant. On other transcripts: intron variant (3).
Genome position (GRCh38, 1-based): chr16:23,626,241, C duplicated on the plus strand (G on the coding strand, the reverse complement: PALB2 is on the minus strand). VCF-style (leftmost placement, unchanged base first): chr16-23626240-G-GC. GRCh37 (hg19) VCF-style: chr16-23637561-G-GC.
Other names: c.2743dupG (NM_024675.3); c.2683dup, p.Ala895fs (NM_001407296.1); c.2671dup, p.Ala891fs (NM_001407297.1); c.2743dup, p.Ala915fs (NM_001407299.1, NM_001407300.1, NM_001407301.1); c.1858dup, p.Ala620fs (NM_001407304.1, NM_001407305.1, NM_001407306.1 and 4 more transcripts); c.955dup, p.Ala319fs (NM_001407312.1, NM_001407313.1); c.277dup, p.Ala93fs (NM_001407314.1); c.2587-2147dup (NM_001407302.1, NM_001407298.1); and 1 more; short protein forms A319fs, A620fs, A891fs, A895fs, A915fs, A93fs.
Identifiers: ClinVar variation 2674062 (VCV002674062.2), dbSNP rs2488713769, ClinGen allele CA2695197612.